The following is an entry in ClinVar:

ClinVar aggregate classification (germline): Pathogenic (1 of 4 stars; one submission).

Conditions:
Propionic acidemia (PROP). Also called: GLYCINEMIA, KETOTIC; HYPERGLYCINEMIA WITH KETOACIDOSIS AND LEUKOPENIA; KETOTIC HYPERGLYCINEMIA. Identifiers: Orphanet 35, MedGen C0268579, MONDO:0011628, OMIM 606054, HP:0003571.

Submission:

Myriad Genetics, Inc.
Classification: Pathogenic for Propionic acidemia. Last evaluated: 2023-09-27. Review status: criteria provided, single submitter. Criteria: Myriad Autosomal Dominant, Autosomal Recessive and X-Linked Classification Criteria (2023). Collection method: clinical testing. Allele origin: unknown.
Comment: NM_000532.4(PCCB):c.832dupC(L278Pfs*13) is expected to be pathogenic in the context of PCCB-related propionic acidemia. This variant is predicted to lead to an abnormal or absent protein product due to the creation of a premature termination codon in PCCB, a gene where loss-of-function variants are known to be pathogenic. Please note: this variant was assessed in the context of healthy population screening.

NM_000532.5(PCCB):c.832dup (p.Leu278fs)

Gene: PCCB (propionyl-CoA carboxylase subunit beta; plus strand). Cytogenetic location: 3q22.3.
Variant type: Duplication.
Coding change: c.832dup on transcript NM_000532.5 (MANE Select); coding-DNA position 832, one base duplicated (C; older notation c.832dupC).
Protein change: p.Leu278fs; shifts the reading frame from leucine 278.
Molecular consequence: frameshift variant.
Genome position (GRCh38, 1-based): chr3:136,298,020, C duplicated; the last of 2 consecutive C bases (chr3:136,298,019-136,298,020); duplicating either gives the same sequence. VCF-style (leftmost placement, unchanged base first): chr3-136298018-A-AC. GRCh37 (hg19) VCF-style: chr3-136016860-A-AC.
Other names: c.892dup, p.Leu298fs (NM_001178014.2); short protein forms L278fs, L298fs.
Identifiers: ClinVar variation 5011841 (VCV005011841.1).
Genomic context (GRCh38, chr3:136,298,018, plus strand): 5'-CCCACAGAGCTTTTGAAAATGATGTTGATGCCTTGTGTAATCTCCGGGATTTCTTCAACT[A>AC]CCTGCCCCTGAGCAGTCAGGACCCGGCTCCCGTCCGTGAGTGCCACGATCCCAGGTGGGT-3'